The following is an entry in ClinVar:

ClinVar aggregate classification (germline): Uncertain significance (1 of 4 stars; one submission).

Allele frequency attached by ClinVar (database versions not stated): gnomAD 0.00001; gnomAD exomes 0.00001; TOPMed 0.00001.

Submission:

Labcorp Genetics (formerly Invitae), Labcorp
Classification: Uncertain significance. Last evaluated: 2022-08-16. Review status: criteria provided, single submitter. Criteria: Invitae Variant Classification Sherloc (09022015). Collection method: clinical testing. Allele origin: germline.
Comment: This sequence change replaces arginine, which is basic and polar, with glutamine, which is neutral and polar, at codon 291 of the BCS1L protein (p.Arg291Gln). This variant is present in population databases (no rsID available, gnomAD 0.0009%). This variant has not been reported in the literature in individuals affected with BCS1L-related conditions. Advanced modeling of protein sequence and biophysical properties (such as structural, functional, and spatial information, amino acid conservation, physicochemical variation, residue mobility, and thermodynamic stability) performed at Invitae indicates that this missense variant is expected to disrupt BCS1L protein function. In summary, the available evidence is currently insufficient to determine the role of this variant in disease. Therefore, it has been classified as a Variant of Uncertain Significance.

NM_001079866.2(BCS1L):c.872G>A (p.Arg291Gln)

Gene: BCS1L (BCS1 homolog, ubiquinol-cytochrome c reductase complex chaperone; plus strand). Cytogenetic location: 2q35.
Variant type: single nucleotide variant.
Coding change: c.872G>A on transcript NM_001079866.2 (MANE Select); coding-DNA position 872, G replaced by A.
Protein change: p.Arg291Gln; replaces arginine 291 with glutamine.
Molecular consequence: missense variant. On other transcripts: non-coding transcript variant (1).
Genome position (GRCh38, 1-based): chr2:218,662,662, G>A. VCF-style: chr2-218662662-G-A. GRCh37 (hg19) VCF-style: chr2-219527385-G-A.
Other names: c.872G>A, p.Arg291Gln (NM_001257342.2, NM_001257343.2, NM_001257344.2 and 10 more transcripts); c.512G>A, p.Arg171Gln (NM_001318836.2, NM_001371451.1); c.371G>A, p.Arg124Gln (NM_001371452.1, NM_001371453.1, NM_001371454.1 and 3 more transcripts); short protein forms R124Q, R171Q, R291Q.
Identifiers: ClinVar variation 2418670 (VCV002418670.3), dbSNP rs1339202901, ClinGen allele CA350630644.